The following is an entry in ClinVar:

ClinVar aggregate classification (germline): Uncertain significance (1 of 4 stars; one submission).

Conditions:
Cardiovascular phenotype. Identifiers: MedGen CN230736.

Allele frequency attached by ClinVar (database versions not stated): gnomAD exomes below 0.00001.
gnomAD v4.1: 3 of 1,550,384 alleles (0.00019%); highest among the groups gnomAD compares: Non-Finnish European, 0.00017%; no homozygotes.

Submission:

Ambry Genetics
Classification: Uncertain significance for Cardiovascular phenotype. Last evaluated: 2026-03-30. Review status: criteria provided, single submitter. Criteria: Ambry Variant Classification Scheme 2023. Collection method: clinical testing. Allele origin: germline.
Comment: The p.R1218H variant (also known as c.3653G>A), located in coding exon 2 of the ZNF469 gene, results from a G to A substitution at nucleotide position 3653. The arginine at codon 1218 is replaced by histidine, an amino acid with highly similar properties. This amino acid position is conserved. In addition, this alteration is predicted to be tolerated by in silico analysis. Based on the available evidence, the clinical significance of this variant remains unclear.

NM_001367624.2(ZNF469):c.3737G>A (p.Arg1246His)

Gene: ZNF469 (zinc finger protein 469; plus strand). Cytogenetic location: 16q24.2.
Variant type: single nucleotide variant.
Coding change: c.3737G>A on transcript NM_001367624.2 (MANE Select); coding-DNA position 3737, G replaced by A.
Protein change: p.Arg1246His; replaces arginine 1246 with histidine.
Molecular consequence: missense variant.
Genome position (GRCh38, 1-based): chr16:88,431,207, G>A. VCF-style: chr16-88431207-G-A. GRCh37 (hg19) VCF-style: chr16-88497615-G-A.
Other names: NM_001127464.1:c.3653G>A; short protein forms R1246H.
Identifiers: ClinVar variation 3195984 (VCV003195984.2), dbSNP rs2507584669, ClinGen allele CA397086534.